The following is an entry in ClinVar:

ClinVar aggregate classification (germline): Benign (0 of 4 stars; one submission).

Conditions:
CELSR1-related disorder. Also called: CELSR1-related condition.

Allele frequency attached by ClinVar (database versions not stated): ExAC 0.17608; 1000 Genomes Project 0.26837; 1000 Genomes Project 30x 0.28342; TOPMed 0.30625; ESP Exome Variant Server 0.32185.
gnomAD v4.1: 283,752 of 1,612,062 alleles (18%); highest among the groups gnomAD compares: African/African-American, 66%; 35,809 homozygotes.

Submission:

PreventionGenetics, part of Exact Sciences
Classification: Benign for CELSR1-related condition. Last evaluated: 2019-08-02. Review status: no assertion criteria provided. Collection method: clinical testing. Allele origin: germline.
Comment: This variant is classified as benign based on ACMG/AMP sequence variant interpretation guidelines (Richards et al. 2015 PMID: 25741868, with internal and published modifications).

NM_001378328.1(CELSR1):c.5964+10C>A

Gene: CELSR1 (cadherin EGF LAG seven-pass G-type receptor 1; minus strand). Cytogenetic location: 22q13.31.
Variant type: single nucleotide variant.
Coding change: c.5964+10C>A on transcript NM_001378328.1 (MANE Select); 10 bases into the intron after coding-DNA position 5964, C replaced by A.
Molecular consequence: intron variant.
Genome position (GRCh38, 1-based): chr22:46,394,132, G>T on the plus strand (C>A on the coding strand, the complement: CELSR1 is on the minus strand). VCF-style: chr22-46394132-G-T. GRCh37 (hg19) VCF-style: chr22-46790029-G-T.
Other names: c.5964+10C>A (NM_014246.4).
Identifiers: ClinVar variation 3055727 (VCV003055727.2), dbSNP rs11703679, ClinGen allele CA10294018.